The following is an entry in ClinVar:

NM_003072.5(SMARCA4):c.790G>A (p.Gly264Arg)

Gene: SMARCA4 (SWI/SNF related BAF chromatin remodeling complex subunit ATPase 4; plus strand). Cytogenetic location: 19p13.2.
Variant type: single nucleotide variant.
Coding change: c.790G>A on transcript NM_003072.5 (MANE Select); coding-DNA position 790, G replaced by A.
Protein change: p.Gly264Arg; replaces glycine 264 with arginine.
Molecular consequence: missense variant. On other transcripts: non-coding transcript variant (1).
Genome position (GRCh38, 1-based): chr19:10,986,934, G>A. VCF-style: chr19-10986934-G-A. GRCh37 (hg19) VCF-style: chr19-11097610-G-A.
Other names: c.790G>A, p.Gly264Arg (NM_001128844.3, NM_001128845.2, NM_001128846.2 and 5 more transcripts); short protein forms G264R.
Identifiers: ClinVar variation 572597 (VCV000572597.17), dbSNP rs746036083, ClinGen allele CA404057928.

ClinVar aggregate classification (germline): Uncertain significance. Review status: criteria provided, multiple submitters, no conflicts (2 of 4 stars). 4 submissions from 4 submitters: Uncertain significance (4). Last evaluated 2024-12-02.

Conditions:
Rhabdoid tumor predisposition syndrome 2 (RTPS2). Identifiers: Orphanet 231108, Orphanet 69077, MedGen C2750074, MONDO:0013224, OMIM 613325.
Hereditary cancer-predisposing syndrome. Also called: Neoplastic Syndromes, Hereditary; Hereditary Cancer Syndrome; Tumor predisposition; Hereditary neoplastic syndrome. Identifiers: Orphanet 140162, MedGen C0027672, MeSH D009386, MONDO:0015356.
Intellectual disability, autosomal dominant 16 (CSS4). Also called: COFFIN-SIRIS SYNDROME 4. Identifiers: Orphanet 1465, MedGen C3553249, MONDO:0013821, OMIM 614609.

Submissions (4):

GeneDx
Classification: Uncertain significance. Last evaluated: 2024-12-02. Review status: criteria provided, single submitter. Criteria: GeneDx Variant Classification Process June 2021. Collection method: clinical testing. Allele origin: germline. Affected: yes.
Comment: Not observed at significant frequency in large population cohorts (gnomAD); In silico analysis indicates that this missense variant does not alter protein structure/function; Has not been previously published as pathogenic or benign to our knowledge

Ambry Genetics
Classification: Uncertain significance for Hereditary cancer-predisposing syndrome. Last evaluated: 2024-05-31. Review status: criteria provided, single submitter. Criteria: Ambry Variant Classification Scheme 2023. Collection method: clinical testing. Allele origin: germline.
Comment: The p.G264R variant (also known as c.790G>A), located in coding exon 4 of the SMARCA4 gene, results from a G to A substitution at nucleotide position 790. The glycine at codon 264 is replaced by arginine, an amino acid with dissimilar properties. This amino acid position is highly conserved in available vertebrate species. In addition, this alteration is predicted to be deleterious by in silico analysis. Missense and in-frame variants in SMARCA4 are known to cause neurodevelopmental disorders; however, such associations with rhabdoid tumor predisposition syndrome including small cell carcinoma of the ovary-hypercalcemic type (SCCOHT) are exceedingly rare (Kosho T et al. Am J Med Genet C Semin Med Genet. 2014 Sep;166C(3):262-75; Jelinic P et al. Nat Genet. 2014 May;46(5):424-6). Since supporting evidence is limited at this time, the clinical significance of this alteration remains unclear.

Labcorp Genetics (formerly Invitae), Labcorp
Classification: Uncertain significance for Rhabdoid tumor predisposition syndrome 2. Last evaluated: 2022-09-03. Review status: criteria provided, single submitter. Criteria: Invitae Variant Classification Sherloc (09022015). Collection method: clinical testing. Allele origin: germline.
Comment: This variant has not been reported in the literature in individuals affected with SMARCA4-related conditions. This variant is not present in population databases (gnomAD no frequency). This sequence change replaces glycine, which is neutral and non-polar, with arginine, which is basic and polar, at codon 264 of the SMARCA4 protein (p.Gly264Arg). ClinVar contains an entry for this variant (Variation ID: 572597). In summary, the available evidence is currently insufficient to determine the role of this variant in disease. Therefore, it has been classified as a Variant of Uncertain Significance. Algorithms developed to predict the effect of sequence changes on RNA splicing suggest that this variant may create or strengthen a splice site. Algorithms developed to predict the effect of missense changes on protein structure and function (SIFT, PolyPhen-2, Align-GVGD) all suggest that this variant is likely to be disruptive.

Genome-Nilou Lab
Classification: Uncertain significance for Intellectual disability, autosomal dominant 16. Last evaluated: 2021-07-15. Review status: criteria provided, single submitter. Criteria: ACMG Guidelines, 2015. Collection method: clinical testing. Allele origin: germline. Affected: no.